The following is an entry in ClinVar:

ClinVar aggregate classification (germline): Uncertain significance (1 of 4 stars; one submission).

Conditions:
Menkes kinky-hair syndrome (MNK). Also called: Copper transport disease; Menkes Disease; Classic Menkes Disease. Identifiers: Orphanet 565, MedGen C0022716, MONDO:0010651, OMIM 309400.
X-linked distal spinal muscular atrophy type 3. Also called: ATP7A-Related Distal Motor Neuropathy; SPINAL MUSCULAR ATROPHY, DISTAL, X-LINKED RECESSIVE; NEURONOPATHY, DISTAL HEREDITARY MOTOR, X-LINKED; NEUROPATHY, DISTAL HEREDITARY MOTOR, X-LINKED. Identifiers: Orphanet 139557, MedGen C1845359, MONDO:0010338, OMIM 300489.
Cutis laxa, X-linked (OHS). Also called: EDS IX; Occipital horn syndrome. Identifiers: Orphanet 198, MedGen C0268353, MONDO:0010572, OMIM 304150.

Submission:

Labcorp Genetics (formerly Invitae), Labcorp
Classification: Uncertain significance for X-linked distal spinal muscular atrophy type 3; Cutis laxa, X-linked; Menkes kinky-hair syndrome. Last evaluated: 2024-06-18. Review status: criteria provided, single submitter. Criteria: Invitae Variant Classification Sherloc (09022015). Collection method: clinical testing. Allele origin: germline.
Comment: This sequence change replaces threonine, which is neutral and polar, with isoleucine, which is neutral and non-polar, at codon 186 of the ATP7A protein (p.Thr186Ile). This variant is not present in population databases (gnomAD no frequency). This variant has not been reported in the literature in individuals affected with ATP7A-related conditions. Advanced modeling of protein sequence and biophysical properties (such as structural, functional, and spatial information, amino acid conservation, physicochemical variation, residue mobility, and thermodynamic stability) performed at Invitae indicates that this missense variant is not expected to disrupt ATP7A protein function with a negative predictive value of 95%. In summary, the available evidence is currently insufficient to determine the role of this variant in disease. Therefore, it has been classified as a Variant of Uncertain Significance.

NM_000052.7(ATP7A):c.557C>T (p.Thr186Ile)

Gene: ATP7A (ATPase copper transporting alpha; plus strand). Cytogenetic location: Xq21.1.
Variant type: single nucleotide variant.
Coding change: c.557C>T on transcript NM_000052.7 (MANE Select); coding-DNA position 557, C replaced by T.
Protein change: p.Thr186Ile; replaces threonine 186 with isoleucine.
Molecular consequence: missense variant.
Genome position (GRCh38, 1-based): chrX:77,988,678, C>T. VCF-style: chrX-77988678-C-T. GRCh37 (hg19) VCF-style: chrX-77244174-C-T.
Other names: c.557C>T, p.Thr186Ile (NM_001282224.2); short protein forms T186I.
Identifiers: ClinVar variation 3753796 (VCV003753796.2).